The following is an entry in ClinVar:

NM_004974.4(KCNA2):c.794C>G (p.Pro265Arg)

Gene: KCNA2 (potassium voltage-gated channel subfamily A member 2; minus strand). Cytogenetic location: 1p13.3.
Variant type: single nucleotide variant.
Coding change: c.794C>G on transcript NM_004974.4 (MANE Select); coding-DNA position 794, C replaced by G.
Protein change: p.Pro265Arg; replaces proline 265 with arginine.
Molecular consequence: missense variant.
Genome position (GRCh38, 1-based): chr1:110,603,989, G>C on the plus strand (C>G on the coding strand, the complement: KCNA2 is on the minus strand). VCF-style: chr1-110603989-G-C. GRCh37 (hg19) VCF-style: chr1-111146611-G-C.
Other names: c.794C>G, p.Pro265Arg (NM_001204269.2); short protein forms P265R.
Identifiers: ClinVar variation 3600523 (VCV003600523.1).

ClinVar aggregate classification (germline): Uncertain significance (1 of 4 stars; one submission).

Conditions:
Developmental and epileptic encephalopathy, 32 (DEE32). Also called: Epileptic encephalopathy, early infantile, 32. Identifiers: Orphanet 442835, MedGen C4225350, MONDO:0014607, OMIM 616366.

Submission:

Clinical Genomics Laboratory, Washington University in St. Louis
Classification: Uncertain significance for Developmental and epileptic encephalopathy, 32. Last evaluated: 2024-06-09. Review status: criteria provided, single submitter. Criteria: ACMG Guidelines, 2015. Collection method: clinical testing. Allele origin: germline.
Comment: The KCNA2 c.794C>G (p.Pro265Arg) variant, to our knowledge, has not been reported in the medical literature. This variant is absent from the general population (gnomAD v.2.1.1), indicating it is not a common variant. Computational predictors indicate that the variant is damaging, evidence that correlates with impact to KCNA2 function. Another variant nearby in the S3 transmembrane segment, c.788T>C (p.Ile263Thr), has been reported in affected individuals and is considered pathogenic (Syrbe S et al., PMID: 25751627; ClinVar Variation ID: 542666). Due to limited information, and based on ACMG/AMP guidelines for variant interpretation (Richards S et al., PMID: 25741868), the clinical significance of this variant is uncertain at this time.